The following is an entry in ClinVar:

NM_000091.5(COL4A3):c.778dup (p.Glu260fs)

Genes: COL4A3 (collagen type IV alpha 3 chain; plus strand), MFF-DT (MFF divergent transcript; minus strand). Cytogenetic location: 2q36.3.
Variant type: Duplication.
Coding change: c.778dup on transcript NM_000091.5 (MANE Select); coding-DNA position 778, one base duplicated (G; older notation c.778dupG).
Protein change: p.Glu260fs; shifts the reading frame from glutamic acid 260.
Molecular consequence: frameshift variant.
Genome position (GRCh38, 1-based): chr2:227,254,124, G duplicated; the last of 5 consecutive G bases (chr2:227,254,120-227,254,124); duplicating any one gives the same sequence. VCF-style (leftmost placement, unchanged base first): chr2-227254119-A-AG. GRCh37 (hg19) VCF-style: chr2-228118835-A-AG.
Other names: c.778_779insG (NM_000091.5); short protein forms E260fs.
Identifiers: ClinVar variation 1452730 (VCV001452730.7), dbSNP rs2125934511, ClinGen allele CA2573135460.
Genomic context (GRCh38, chr2:227,254,119, plus strand): 5'-AGTGAAATCTCATTTCATCCATTTGTAACAATGTTGAACTGTTTCTTTGGCAGGACCTCA[A>AG]GGGGGAAAAGGGAGACAAGGGAGCAATGGGCGAGCCTGGACCTCCTGGACCCTCAGTAGG-3'

ClinVar aggregate classification (germline): Pathogenic. Review status: criteria provided, multiple submitters, no conflicts (2 of 4 stars). 2 submissions from 2 submitters: Pathogenic (2). Last evaluated 2026-04-06.

Conditions:
Focal segmental glomerulosclerosis 7 (FSGS7). Identifiers: Orphanet 656, MedGen C4014925, MONDO:0014451, OMIM 616002.

Submissions (2):

Molecular Lab, University of Sulaimaniyah
Classification: Pathogenic for Focal segmental glomerulosclerosis 7. Last evaluated: 2026-04-06. Review status: criteria provided, single submitter. Criteria: ACMG Guidelines, 2015. Collection method: research. Allele origin: germline. Inheritance: Autosomal dominant inheritance. Affected: yes. Observed: 1 variant allele, 1 homozygote.
Comment: This variant was classified using the ACMG/AMP 2015 framework (PMID:25741868). PVS1 was applied because COL4A3 c.778_779insG is predicted to cause a frameshift and premature termination. PM2 was considered because the variant is rare in population databases (<0.01%). PP4 was used as supporting case-level evidence because the variant was observed in an affected individual from a biopsy-proven focal segmental glomerulosclerosis cohort. As internal case-level support, the variant was observed in 1 affected individual(s) among 35 individuals tested, including 1 homozygote. No functional assay evidence is submitted. Overall, the submitted evidence supported a Pathogenic classification.

Labcorp Genetics (formerly Invitae), Labcorp
Classification: Pathogenic. Last evaluated: 2020-12-31. Review status: criteria provided, single submitter. Criteria: Invitae Variant Classification Sherloc (09022015). Collection method: clinical testing. Allele origin: germline.
Comment: For these reasons, this variant has been classified as Pathogenic. This variant has not been reported in the literature in individuals with COL4A3-related conditions. This variant is not present in population databases (ExAC no frequency). This sequence change creates a premature translational stop signal (p.Glu260Glyfs*27) in the COL4A3 gene. It is expected to result in an absent or disrupted protein product. Loss-of-function variants in COL4A3 are known to be pathogenic (PMID: 8956999, 24854265, 26809805, 27281700).

Literature cited by the submitters: PubMed 8956999 (cited by Labcorp Genetics (formerly Invitae), Labcorp); PubMed 24854265 (cited by Labcorp Genetics (formerly Invitae), Labcorp); PubMed 26809805 (cited by Labcorp Genetics (formerly Invitae), Labcorp); PubMed 27281700 (cited by Labcorp Genetics (formerly Invitae), Labcorp).